The following is an entry in ClinVar:

NM_003334.4(UBA1):c.1695C>T (p.Phe565=)

Gene: UBA1 (ubiquitin like modifier activating enzyme 1; plus strand). Cytogenetic location: Xp11.3.
Variant type: single nucleotide variant.
Coding change: c.1695C>T on transcript NM_003334.4 (MANE Select); coding-DNA position 1695, C replaced by T.
Protein change: p.Phe565=; no amino-acid change (phenylalanine 565 retained).
Molecular consequence: synonymous variant.
Genome position (GRCh38, 1-based): chrX:47,206,067, C>T. VCF-style: chrX-47206067-C-T. GRCh37 (hg19) VCF-style: chrX-47065466-C-T.
Other names: c.1695C>T, p.Phe565= (NM_153280.3).
Identifiers: ClinVar variation 389123 (VCV000389123.7), dbSNP rs782804501, ClinGen allele CA10395981.

ClinVar aggregate classification (germline): Benign/Likely benign. Review status: criteria provided, multiple submitters, no conflicts (2 of 4 stars). 3 submissions from 3 submitters: Benign (1); Likely benign (2). Last evaluated 2024-03-04.

Conditions:
Inborn genetic diseases. Identifiers: MedGen C0950123, MeSH D030342.
Infantile-onset X-linked spinal muscular atrophy. Also called: Spinal Muscular Atrophy, X-Linked Infantile; AMC, DISTAL, X-LINKED; ARTHROGRYPOSIS, X-LINKED, TYPE I; Spinal muscular atrophy, X-linked 2; SPINAL MUSCULAR ATROPHY, X-LINKED LETHAL INFANTILE. Identifiers: Orphanet 1145, MedGen C1844934, MONDO:0010532, OMIM 301830.

Allele frequency attached by ClinVar (database versions not stated): TOPMed 0.00002; ExAC 0.00004.

Submissions (3):

Labcorp Genetics (formerly Invitae), Labcorp
Classification: Benign for Infantile-onset X-linked spinal muscular atrophy. Last evaluated: 2024-03-04. Review status: criteria provided, single submitter. Criteria: Invitae Variant Classification Sherloc (09022015). Collection method: clinical testing. Allele origin: germline.

Ambry Genetics
Classification: Likely benign for Inborn genetic diseases. Last evaluated: 2019-07-11. Review status: criteria provided, single submitter. Criteria: Ambry Variant Classification Scheme 2023. Collection method: clinical testing. Allele origin: germline.

GeneDx
Classification: Likely benign. Last evaluated: 2016-09-21. Review status: criteria provided, single submitter. Criteria: GeneDx Variant Classification (06012015). Collection method: clinical testing. Allele origin: germline. Affected: yes.
Comment: This variant is considered likely benign or benign based on one or more of the following criteria: it is a conservative change, it occurs at a poorly conserved position in the protein, it is predicted to be benign by multiple in silico algorithms, and/or has population frequency not consistent with disease.